The following is an entry in ClinVar:

ClinVar aggregate classification (germline): Benign/Likely benign. Review status: criteria provided, multiple submitters, no conflicts (2 of 4 stars). 7 submissions from 7 submitters: Benign (3); Likely benign (4). Last evaluated 2026-04-15.

Conditions:
DICER1-related tumor predisposition. Also called: DICER1 syndrome; DICER1-related pleuropulmonary blastoma cancer predisposition syndrome. Identifiers: Orphanet 284343, MedGen C3839822, MONDO:0100216.
Hereditary cancer-predisposing syndrome. Also called: Tumor predisposition; Hereditary Cancer Syndrome; Neoplastic Syndromes, Hereditary; Hereditary neoplastic syndrome. Identifiers: Orphanet 140162, MedGen C0027672, MeSH D009386, MONDO:0015356.

Allele frequency attached by ClinVar (database versions not stated): ESP Exome Variant Server 0.00015; gnomAD exomes 0.00016; ExAC 0.00019; 1000 Genomes Project 0.00040; 1000 Genomes Project 30x 0.00047; gnomAD 0.00051 and 0.00057; TOPMed 0.00060.
gnomAD v4.1: 135 of 1,613,970 alleles (0.0084%); highest among the groups gnomAD compares: African/African-American, 0.17%; no homozygotes.

Submissions (7):

Myriad Genetics, Inc.
Classification: Benign for DICER1-related tumor predisposition. Last evaluated: 2026-04-15. Review status: criteria provided, single submitter. Criteria: Myriad Autosomal Dominant, Autosomal Recessive and X-Linked Classification Criteria (2023). Collection method: clinical testing. Allele origin: unknown.
Comment: This variant is considered benign. This variant is a silent/synonymous amino acid change and it is not expected to impact splicing.

Labcorp Genetics (formerly Invitae), Labcorp
Classification: Benign for DICER1-related tumor predisposition. Last evaluated: 2026-01-20. Review status: criteria provided, single submitter. Criteria: Invitae Variant Classification Sherloc (09022015). Collection method: clinical testing. Allele origin: germline.

ARUP Laboratories, Molecular Genetics and Genomics, ARUP Laboratories
Classification: Benign. Last evaluated: 2025-05-07. Review status: criteria provided, single submitter. Criteria: ARUP Molecular Germline Variant Investigation Process 2024. Collection method: clinical testing. Allele origin: germline.

CeGaT Center for Human Genetics Tuebingen
Classification: Likely benign. Last evaluated: 2024-09-01. Review status: criteria provided, single submitter. Criteria: CeGaT Center For Human Genetics Tuebingen Variant Classification Criteria Version 2. Collection method: clinical testing. Allele origin: germline. Affected: yes. Observed: 1 variant allele.
Comment: DICER1: BP4, BP7, BS1

Sema4
Classification: Likely benign for Hereditary cancer-predisposing syndrome. Last evaluated: 2021-01-26. Review status: criteria provided, single submitter. Criteria: Sema4 Curation Guidelines. Collection method: curation. Allele origin: germline.

PreventionGenetics, part of Exact Sciences
Classification: Likely benign. Last evaluated: 2017-10-13. Review status: criteria provided, single submitter. Criteria: ACMG Guidelines, 2015. Collection method: clinical testing. Allele origin: germline.

Ambry Genetics
Classification: Likely benign for Hereditary cancer-predisposing syndrome. Last evaluated: 2017-04-01. Review status: criteria provided, single submitter. Criteria: Ambry Variant Classification Scheme 2023. Collection method: clinical testing. Allele origin: germline.

NM_177438.3(DICER1):c.1233A>G (p.Ser411=)

Gene: DICER1 (dicer 1, ribonuclease III; minus strand). Cytogenetic location: 14q32.13.
Variant type: single nucleotide variant.
Coding change: c.1233A>G on transcript NM_177438.3 (MANE Select); coding-DNA position 1233, A replaced by G.
Protein change: p.Ser411=; no amino-acid change (serine 411 retained).
Molecular consequence: synonymous variant.
Genome position (GRCh38, 1-based): chr14:95,124,339, T>C on the plus strand (A>G on the coding strand, the complement: DICER1 is on the minus strand). VCF-style: chr14-95124339-T-C. GRCh37 (hg19) VCF-style: chr14-95590676-T-C.
Other names: c.1233A>G, p.Ser411= (NM_001195573.1, NM_001271282.3, NM_001291628.2 and 1 more transcripts).
Identifiers: ClinVar variation 242034 (VCV000242034.33), dbSNP rs111595160, ClinGen allele CA7331513.
Genomic context (GRCh38, chr14:95,124,339, plus strand): 5'-CTCTGGCTTCTCTTTTTCTTCAATTTCTTCATCCTCATCATCATCCTCAGAATCACTCCA[T>C]GACACATAATTATCCTGATTTCTATTATTATACCACTCAACGCTTTCAAACTGCTGTCGC-3'
Protein context (NP_803187.1, residues 401-421): YNNRNQDNYV[Ser411=]WSDSEDDDED